The following is an entry in ClinVar:

ClinVar aggregate classification (germline): Uncertain significance (1 of 4 stars; one submission).

Submission:

Labcorp Genetics (formerly Invitae), Labcorp
Classification: Uncertain significance. Last evaluated: 2025-06-09. Review status: criteria provided, single submitter. Criteria: Invitae Variant Classification Sherloc (09022015). Collection method: clinical testing. Allele origin: germline.
Comment: This sequence change replaces asparagine, which is neutral and polar, with serine, which is neutral and polar, at codon 116 of the GINS1 protein (p.Asn116Ser). This variant is not present in population databases (gnomAD no frequency). This variant has not been reported in the literature in individuals affected with GINS1-related conditions. An algorithm developed to predict the effect of missense changes on protein structure and function (PolyPhen-2) suggests that this variant is likely to be tolerated. In summary, the available evidence is currently insufficient to determine the role of this variant in disease. Therefore, it has been classified as a Variant of Uncertain Significance.

NM_021067.5(GINS1):c.347A>G (p.Asn116Ser)

Gene: GINS1 (GINS complex subunit 1; plus strand). Cytogenetic location: 20p11.21.
Variant type: single nucleotide variant.
Coding change: c.347A>G on transcript NM_021067.5 (MANE Select); coding-DNA position 347, A replaced by G.
Protein change: p.Asn116Ser; replaces asparagine 116 with serine.
Molecular consequence: missense variant. On other transcripts: non-coding transcript variant (1), intron variant (1).
Genome position (GRCh38, 1-based): chr20:25,425,227, A>G. VCF-style: chr20-25425227-A-G. GRCh37 (hg19) VCF-style: chr20-25405863-A-G.
Other names: c.92A>G, p.Asn31Ser (NM_001410831.1); c.330+7032A>G (NM_001410830.1); short protein forms N31S, N116S.
Identifiers: ClinVar variation 4711869 (VCV004711869.1).